The following is an entry in ClinVar:

ClinVar aggregate classification (germline): Uncertain significance (1 of 4 stars; one submission).

Allele frequency attached by ClinVar (database versions not stated): gnomAD exomes below 0.00001.
gnomAD v4.1: 3 of 1,603,972 alleles (0.00019%); highest among the groups gnomAD compares: East Asian, 0.0022%; no homozygotes.

Submission:

Labcorp Genetics (formerly Invitae), Labcorp
Classification: Uncertain significance. Last evaluated: 2022-11-17. Review status: criteria provided, single submitter. Criteria: Invitae Variant Classification Sherloc (09022015). Collection method: clinical testing. Allele origin: germline.
Comment: Algorithms developed to predict the effect of missense changes on protein structure and function (SIFT, PolyPhen-2, Align-GVGD) all suggest that this variant is likely to be disruptive. In summary, the available evidence is currently insufficient to determine the role of this variant in disease. Therefore, it has been classified as a Variant of Uncertain Significance. This variant has not been reported in the literature in individuals affected with CWC27-related conditions. This variant is not present in population databases (gnomAD no frequency). This sequence change replaces proline, which is neutral and non-polar, with leucine, which is neutral and non-polar, at codon 68 of the CWC27 protein (p.Pro68Leu).

NM_005869.4(CWC27):c.203C>T (p.Pro68Leu)

Gene: CWC27 (CWC27 spliceosome associated cyclophilin; plus strand). Cytogenetic location: 5q12.3.
Variant type: single nucleotide variant.
Coding change: c.203C>T on transcript NM_005869.4 (MANE Select); coding-DNA position 203, C replaced by T.
Protein change: p.Pro68Leu; replaces proline 68 with leucine.
Molecular consequence: missense variant.
Genome position (GRCh38, 1-based): chr5:64,781,984, C>T. VCF-style: chr5-64781984-C-T. GRCh37 (hg19) VCF-style: chr5-64077811-C-T.
Other names: c.203C>T, p.Pro68Leu (NM_001297644.1, NM_001297645.2, NM_001318000.2 and 1 more transcripts); short protein forms P68L.
Identifiers: ClinVar variation 2814806 (VCV002814806.3), dbSNP rs1743710379, ClinGen allele CA359842135.
Genomic context (GRCh38, chr5:64,781,984, plus strand): 5'-ATTATGACAATACCATTTTTCATAGAGTTGTGCCTGGTTTCATAGTCCAAGGCGGAGATC[C>T]TACTGGCACAGGGAGTGGTGGAGAGTCTATCTATGGAGCGCCATTCAAAGTAAGACTGAA-3'
Protein context (NP_005860.2, residues 58-78): VPGFIVQGGD[Pro68Leu]TGTGSGGESI